The following is an entry in ClinVar:

NM_006767.4(LZTR1):c.427A>C (p.Asn143His)

Gene: LZTR1 (leucine zipper like post translational regulator 1; plus strand). Cytogenetic location: 22q11.21.
Variant type: single nucleotide variant.
Coding change: c.427A>C on transcript NM_006767.4 (MANE Select); coding-DNA position 427, A replaced by C.
Protein change: p.Asn143His; replaces asparagine 143 with histidine.
Molecular consequence: missense variant.
Genome position (GRCh38, 1-based): chr22:20,988,036, A>C. VCF-style: chr22-20988036-A-C. GRCh37 (hg19) VCF-style: chr22-21342325-A-C.
Other names: short protein forms N143H.
Identifiers: ClinVar variation 3238286 (VCV003238286.1), dbSNP rs761578600.

ClinVar aggregate classification (germline): Uncertain significance (1 of 4 stars; one submission).

Conditions:
Hereditary cancer-predisposing syndrome. Also called: Neoplastic Syndromes, Hereditary; Tumor predisposition; Hereditary neoplastic syndrome; Hereditary Cancer Syndrome. Identifiers: Orphanet 140162, MedGen C0027672, MeSH D009386, MONDO:0015356.
Cardiovascular phenotype. Identifiers: MedGen CN230736.

Submission:

Ambry Genetics
Classification: Uncertain significance for Cardiovascular phenotype; Hereditary cancer-predisposing syndrome. Last evaluated: 2023-06-12. Review status: criteria provided, single submitter. Criteria: Ambry Variant Classification Scheme 2023. Collection method: clinical testing. Allele origin: germline.
Comment: The p.N143H variant (also known as c.427A>C), located in coding exon 5 of the LZTR1 gene, results from an A to C substitution at nucleotide position 427. The asparagine at codon 143 is replaced by histidine, an amino acid with similar properties. This amino acid position is conserved. In addition, the in silico prediction for this alteration is inconclusive. Since supporting evidence is limited at this time, the clinical significance of this alteration remains unclear.